The following is an entry in ClinVar:

NM_000257.4(MYH7):c.2678C>T (p.Ala893Val)

Genes: MYH7 (myosin heavy chain 7; minus strand), LOC126861898 (BRD4-independent group 4 enhancer GRCh37_chr14:23893609-23894808; plus strand). Cytogenetic location: 14q11.2.
Variant type: single nucleotide variant.
Coding change: c.2678C>T on transcript NM_000257.4 (MANE Select); coding-DNA position 2678, C replaced by T.
Protein change: p.Ala893Val; replaces alanine 893 with valine.
Molecular consequence: missense variant.
Genome position (GRCh38, 1-based): chr14:23,424,770, G>A on the plus strand (C>T on the coding strand, the complement: MYH7 is on the minus strand). VCF-style: chr14-23424770-G-A. GRCh37 (hg19) VCF-style: chr14-23893979-G-A.
Other names: NM_000257.3(MYH7):c.2678C>T; short protein forms A893V.
Identifiers: ClinVar variation 177763 (VCV000177763.32), dbSNP rs727503254, ClinGen allele CA012811.

ClinVar aggregate classification (germline): Uncertain significance. Review status: reviewed by expert panel (3 of 4 stars). 10 submissions from 10 submitters: Uncertain significance (1). 9 of the submissions do not count toward it. Last evaluated 2021-09-22.

Conditions:
MYH7-related disorder. Also called: MYH7-related condition; MYH7-related disease; MYH7-related disorders.
Cardiovascular phenotype. Identifiers: MedGen CN230736.
Cardiomyopathy (CMYO). Also called: Cardiomyopathies. Identifiers: Orphanet 167848, MedGen C0878544, MONDO:0004994, HP:0001638. Inheritance: Various modes of inheritance.
Primary dilated cardiomyopathy (DCM). Also called: Dilated Cardiomyopathy. Identifiers: Orphanet 217604, MedGen C0007193, MeSH D002311, MONDO:0005021, HP:0001644. Inheritance: Various modes of inheritance.
Hypertrophic cardiomyopathy. Also called: HYPERTROPHIC MYOCARDIOPATHY. Identifiers: Orphanet 217569, MedGen C0007194, MeSH D002312, MONDO:0005045, HP:0001639.

Allele frequency attached by ClinVar (database versions not stated): gnomAD exomes below 0.00001.
gnomAD v4.1: 1 of 1,614,066 alleles (0.000062%); highest among the groups gnomAD compares: Non-Finnish European, 0.000085%; no homozygotes.

Submissions (10):

ClinGen Cardiomyopathy Variant Curation Expert Panel
Classification: Uncertain significance for Primary dilated cardiomyopathy. Last evaluated: 2021-09-22. Review status: reviewed by expert panel. Criteria: ClinGen CMP ACMG Specifications v1. Collection method: curation. Allele origin: germline. Inheritance: Autosomal dominant inheritance.
Comment: The NM_000257.4(MYH7):c.2678C>T (p.Ala893Val) variant in MYH7 has been reported in 4 individuals with DCM (PS4_Supporting; Lakdawala 2012 PMID:22464770; Miller 2013 PMID:23054336; LMM pers. comm.). This variant segregated with disease in 5 affected individuals with DCM in 2 families (PP1_Moderate; Lakdawala 2012 PMID:22464770; LMM pers. comm.); however, in one of these families the variant was absent from a set of identical twins with mild LV dysfunction prior to testing at 4 months of age and additional clinical data was not available. This variant was absent from large population studies (PM2; gnomAD v2.1.1). This variant lies in the head region of the protein (aa 181-937) and while missense variants in this region are statistically more likely to be associated with HCM (Walsh 2017 PMID:27532257), location in this region cannot be used to support pathogenicity for other phenotypes; therefore PM1 is not applicable. In addition, computational prediction tools and conservation analysis were mixed about the potential impact of this variant. In summary, due to insufficient and conflicting evidence, this variant is classified as uncertain significance for dilated cardiomyopathy in an autosomal dominant manner. MYH7-specific ACMG/AMP criteria applied (Kelly 2018 PMID:29300372): PS4_Supporting; PM5_Moderate, PM2.

Labcorp Genetics (formerly Invitae), Labcorp
Classification: Likely pathogenic for Hypertrophic cardiomyopathy. Last evaluated: 2026-01-24. Review status: criteria provided, single submitter. Criteria: Invitae Variant Classification Sherloc (09022015). Collection method: clinical testing. Allele origin: germline. Not counted in ClinVar's aggregate classification.
Comment: This sequence change replaces alanine, which is neutral and non-polar, with valine, which is neutral and non-polar, at codon 893 of the MYH7 protein (p.Ala893Val). This variant is not present in population databases (gnomAD no frequency). This missense change has been observed in individuals with noncompaction cardiomyopathy and dilated cardiomyopathy (PMID: 22464770, 23054336, 27532257, 29300372, 29447731, 34935411; internal data). ClinVar contains an entry for this variant (Variation ID: 177763). An algorithm developed to predict the effect of missense changes on protein structure and function (PolyPhen-2) suggests that this variant is likely to be disruptive. Algorithms developed to predict the effect of sequence changes on RNA splicing suggest that this variant may create or strengthen a splice site. In summary, the currently available evidence indicates that the variant is pathogenic, but additional data are needed to prove that conclusively. Therefore, this variant has been classified as Likely Pathogenic.

Ambry Genetics
Classification: Likely pathogenic for Cardiovascular phenotype. Last evaluated: 2025-06-13. Review status: criteria provided, single submitter. Criteria: Ambry Variant Classification Scheme 2023. Collection method: clinical testing. Allele origin: germline. Not counted in ClinVar's aggregate classification.
Comment: The p.A893V variant (also known as c.2678C>T), located in coding exon 20 of the MYH7 gene, results from a C to T substitution at nucleotide position 2678. The alanine at codon 893 is replaced by valine, an amino acid with similar properties. This variant has been reported in a family with dilated cardiomyopathy (DCM), including three affected individuals and two young children who were asymptomatic at the time of evaluation (Lakdawala NK et al. J Card Fail, 2012 Apr;18:296-303). This variant has been reported in individuals with DCM, some of these individuals had additional variants in cardiac-related genes (Pugh TJ et al. Genet Med, 2014 Aug;16:601-8; Miller EM et al. J Genet Couns, 2013 Apr;22:258-67; Khan RS et al. J Am Heart Assoc, 2022 Jan;11:e022854; Ambry internal data).This amino acid position is well conserved in available vertebrate species. In addition, this alteration is predicted to be deleterious by in silico analysis. This variant is considered to be rare based on population cohorts in the Genome Aggregation Database (gnomAD). Based on the majority of available evidence to date, this variant is likely to be pathogenic.

PreventionGenetics, part of Exact Sciences
Classification: Likely pathogenic for MYH7-related condition. Last evaluated: 2025-02-27. Review status: criteria provided, single submitter. Criteria: ACMG Guidelines, 2015. Collection method: clinical testing. Allele origin: germline. Not counted in ClinVar's aggregate classification.
Comment: The MYH7 c.2678C>T variant is predicted to result in the amino acid substitution p.Ala893Val. This variant has been reported in multiple unrelated individuals with dilated cardiomyopathy (for example, see Lakdawala et al. 2012. PubMed ID: 22464770; Pugh et al. 2014. PubMed ID: 24603780; Table S2, Khan et al. 2021. PubMed ID: 34935411) and at least one individual with non-compaction cardiomyopathy (van Waning et al. 2018. PubMed ID: 29447731). Co-segregation with disease has been reported for some families; however, detailed evidence supporting these statements was not provided. This variant has not been reported in a large population database (gnomAD), indicating it is rare. This variant is classified as uncertain by the ClinGen Cardiomyopathy Variant Curation Expert Panel. However, considering all available evidence, we interpret the p.Ala893Val variant as likely pathogenic.

GeneDx
Classification: Likely pathogenic. Last evaluated: 2023-08-28. Review status: criteria provided, single submitter. Criteria: GeneDx Variant Classification Process June 2021. Collection method: clinical testing. Allele origin: germline. Affected: yes. Not counted in ClinVar's aggregate classification.
Comment: Reported in association with dilated cardiomyopathy (DCM) in the published literature (Lakdawala et al., 2012; Miller et al., 2013; Pugh et al., 2014; Kelly et al., 2018); Not observed in large population cohorts (gnomAD); In silico analysis supports that this missense variant has a deleterious effect on protein structure/function; This variant is associated with the following publications: (PMID: 23074334, 29447731, 34935411, 27532257, 29300372, 22464770, 24503780, 23054336)

CHEO Genetics Diagnostic Laboratory, Children's Hospital of Eastern Ontario
Classification: Likely pathogenic for Cardiomyopathy. Last evaluated: 2023-05-16. Review status: criteria provided, single submitter. Criteria: ACMG Guidelines, 2015. Collection method: clinical testing. Allele origin: germline. Not counted in ClinVar's aggregate classification.

Blueprint Genetics
Classification: Uncertain significance. Last evaluated: 2022-12-19. Review status: criteria provided, single submitter. Criteria: ACMG Guidelines, 2015. Collection method: clinical testing. Allele origin: germline. Not counted in ClinVar's aggregate classification.

Laboratory for Molecular Medicine, Mass General Brigham Personalized Medicine
Classification: Likely pathogenic for Primary dilated cardiomyopathy. Last evaluated: 2019-10-14. Review status: criteria provided, single submitter. Criteria: LMM Criteria. Collection method: clinical testing. Allele origin: germline. Inheritance: Autosomal dominant inheritance. Observed: 11 variant alleles. Not counted in ClinVar's aggregate classification.
Comment: The p.Ala893Val variant in MYH7 has been reported in 4 individuals with DCM and segregated with disease in 5 affected relatives from 3 families (Lakdawala 2012, Miller 2013, LMM data). It was absent from large population studies. Computational prediction tools suggest that this variant may not impact protein function although this is not predictive enough to rule out pathogenicity. Of note, this variant lies in the head region of the protein. Missense variants in this region are significantly more likely to cause disease (Walsh 2016). This variant has been classified as likely pathogenic on December 15, 2016 by the ClinGen-approved Inherited Cardiomyopathy expert panel (ClinVar variation ID: 177763). In summary, although additional studies are required to fully establish its clinical significance, the p.Ala893Val variant is likely pathogenic. ACMG/AMP Criteria applied: PM1, PM2, PP1_Moderate, PS4_ Supporting.

Clinical Genetics DNA and cytogenetics Diagnostics Lab, Erasmus MC, Erasmus Medical Center
Classification: Likely pathogenic. Review status: no assertion criteria provided. Collection method: clinical testing. Allele origin: germline. Affected: yes. Study: VKGL Data-share Consensus. Not counted in ClinVar's aggregate classification.

Clinical Genetics, Academic Medical Center
Classification: Likely pathogenic. Review status: no assertion criteria provided. Collection method: clinical testing. Allele origin: germline. Affected: yes. Study: VKGL Data-share Consensus. Not counted in ClinVar's aggregate classification.

Literature cited by the submitters: PubMed 29300372 (cited by 3 submitters); PubMed 22464770 (cited by 3 submitters); PubMed 23054336 (cited by 3 submitters); PubMed 27532257 (cited by 3 submitters); PubMed 29447731 (cited by Labcorp Genetics (formerly Invitae), Labcorp and Ambry Genetics); PubMed 34935411 (cited by Labcorp Genetics (formerly Invitae), Labcorp and Ambry Genetics); PubMed 22949430 (cited by Ambry Genetics); PubMed 24503780 (cited by Ambry Genetics); PubMed 30095857 (cited by Ambry Genetics); PubMed 30298955 (cited by Ambry Genetics); PubMed 31783775 (cited by Ambry Genetics); PubMed 39494569 (cited by Ambry Genetics).